The following is an entry in ClinVar:

NM_002474.3(MYH11):c.463T>G (p.Tyr155Asp)

Gene: MYH11 (myosin heavy chain 11; minus strand). Cytogenetic location: 16p13.11.
Variant type: single nucleotide variant.
Coding change: c.463T>G on transcript NM_002474.3 (MANE Select); coding-DNA position 463, T replaced by G.
Protein change: p.Tyr155Asp; replaces tyrosine 155 with aspartic acid.
Molecular consequence: missense variant.
Genome position (GRCh38, 1-based): chr16:15,823,294, A>C on the plus strand (T>G on the coding strand, the complement: MYH11 is on the minus strand). VCF-style: chr16-15823294-A-C. GRCh37 (hg19) VCF-style: chr16-15917151-A-C.
Other names: c.463T>G, p.Tyr155Asp (NM_001040113.2, NM_001040114.2, NM_022844.3); short protein forms Y155D.
Identifiers: ClinVar variation 2773879 (VCV002773879.2), dbSNP rs2506952907, ClinGen allele CA394882336.

ClinVar aggregate classification (germline): Uncertain significance (1 of 4 stars; one submission).

Conditions:
Familial thoracic aortic aneurysm and aortic dissection (TAAD). Also called: Thoracic aortic aneurysms and dissections. Identifiers: Orphanet 91387, MedGen C4707243, MONDO:0019625.

Submission:

Color Diagnostics, LLC DBA Color Health
Classification: Uncertain significance for Familial thoracic aortic aneurysm and aortic dissection. Last evaluated: 2024-03-07. Review status: criteria provided, single submitter. Criteria: ACMG Guidelines, 2015. Collection method: clinical testing. Allele origin: germline.
Comment: This missense variant replaces tyrosine with aspartic acid at codon 155 of the MYH11 protein. Computational prediction suggests that this variant may have a deleterious impact on protein structure and function (internally defined REVEL score threshold >= 0.7, PMID: 27666373). To our knowledge, functional studies have not been reported for this variant. This variant has not been reported in individuals affected with MYH11-related disorders in the literature. This variant has not been identified in the general population by the Genome Aggregation Database (gnomAD). The available evidence is insufficient to determine the role of this variant in disease conclusively. Therefore, this variant is classified as a Variant of Uncertain Significance.